The following is an entry in ClinVar:

ClinVar aggregate classification (germline): Uncertain significance (1 of 4 stars; one submission).

Conditions:
Epilepsy. Also called: Seizure disorder. Identifiers: MedGen C0014544, MeSH D004827, MONDO:0005027.

Allele frequency attached by ClinVar (database versions not stated): gnomAD exomes below 0.00001; ExAC 0.00001; gnomAD 0.00001.
gnomAD v4.1: 3 of 1,612,846 alleles (0.00019%); highest among the groups gnomAD compares: East Asian, 0.0067%; no homozygotes.

Submission:

Labcorp Genetics (formerly Invitae), Labcorp
Classification: Uncertain significance for Epilepsy. Last evaluated: 2024-01-02. Review status: criteria provided, single submitter. Criteria: Invitae Variant Classification Sherloc (09022015). Collection method: clinical testing. Allele origin: germline.
Comment: This sequence change replaces tryptophan, which is neutral and slightly polar, with glycine, which is neutral and non-polar, at codon 557 of the PIGQ protein (p.Trp557Gly). This variant is present in population databases (rs772656271, gnomAD 0.006%). This variant has not been reported in the literature in individuals affected with PIGQ-related conditions. ClinVar contains an entry for this variant (Variation ID: 1376839). An algorithm developed to predict the effect of missense changes on protein structure and function (PolyPhen-2) suggests that this variant is likely to be disruptive. In summary, the available evidence is currently insufficient to determine the role of this variant in disease. Therefore, it has been classified as a Variant of Uncertain Significance.

NM_004204.5(PIGQ):c.1669T>G (p.Trp557Gly)

Gene: PIGQ (phosphatidylinositol glycan anchor biosynthesis class Q; plus strand). Cytogenetic location: 16p13.3.
Variant type: single nucleotide variant.
Coding change: c.1669T>G on transcript NM_004204.5 (MANE Select); coding-DNA position 1669, T replaced by G.
Protein change: p.Trp557Gly; replaces tryptophan 557 with glycine.
Molecular consequence: missense variant.
Genome position (GRCh38, 1-based): chr16:582,958, T>G. VCF-style: chr16-582958-T-G. GRCh37 (hg19) VCF-style: chr16-632958-T-G.
Other names: c.1607T>G, p.Leu536Arg (NM_148920.4); short protein forms W557G, L536R.
Identifiers: ClinVar variation 1376839 (VCV001376839.6), dbSNP rs772656271, ClinGen allele CA7780506.